The following is an entry in ClinVar:

ClinVar aggregate classification (germline): Pathogenic (1 of 4 stars; one submission).

gnomAD v4.1: 1 of 1,571,294 alleles (0.000064%); highest among the groups gnomAD compares: Non-Finnish European, 0.000086%; no homozygotes.

Submission:

Labcorp Genetics (formerly Invitae), Labcorp
Classification: Pathogenic. Last evaluated: 2026-01-13. Review status: criteria provided, single submitter. Criteria: Invitae Variant Classification Sherloc (09022015). Collection method: clinical testing. Allele origin: germline.
Comment: This sequence change creates a premature translational stop signal (p.Cys124*) in the CYP27B1 gene. It is expected to result in an absent or disrupted protein product. Loss-of-function variants in CYP27B1 are known to be pathogenic (PMID: 9837822, 17488797). This variant is not present in population databases (gnomAD no frequency). This variant has not been reported in the literature in individuals affected with CYP27B1-related conditions. ClinVar contains an entry for this variant (Variation ID: 2720382). For these reasons, this variant has been classified as Pathogenic.

Literature cited by the submitters: PubMed 9837822; PubMed 17488797.

NM_000785.4(CYP27B1):c.372C>A (p.Cys124Ter)

Gene: CYP27B1 (cytochrome P450 family 27 subfamily B member 1; minus strand). Cytogenetic location: 12q14.1.
Variant type: single nucleotide variant.
Coding change: c.372C>A on transcript NM_000785.4 (MANE Select); coding-DNA position 372, C replaced by A.
Protein change: p.Cys124Ter; replaces cysteine 124 with a stop codon.
Molecular consequence: nonsense.
Genome position (GRCh38, 1-based): chr12:57,766,021, G>T on the plus strand (C>A on the coding strand, the complement: CYP27B1 is on the minus strand). VCF-style: chr12-57766021-G-T. GRCh37 (hg19) VCF-style: chr12-58159804-G-T.
Other names: short protein forms C124*.
Identifiers: ClinVar variation 2720382 (VCV002720382.3), dbSNP rs771410002, ClinGen allele CA385507610.